The following is an entry in ClinVar:

NM_001743.6(CALM2):c.396T>G (p.Asp132Glu)

Gene: CALM2 (calmodulin 2; minus strand). Cytogenetic location: 2p21.
Variant type: single nucleotide variant.
Coding change: c.396T>G on transcript NM_001743.6 (MANE Select); coding-DNA position 396, T replaced by G.
Protein change: p.Asp132Glu; replaces aspartic acid 132 with glutamic acid.
Molecular consequence: missense variant.
Genome position (GRCh38, 1-based): chr2:47,161,748, A>C on the plus strand (T>G on the coding strand, the complement: CALM2 is on the minus strand). VCF-style: chr2-47161748-A-C. GRCh37 (hg19) VCF-style: chr2-47388887-A-C.
Other names: c.540T>G, p.Asp180Glu (NM_001305624.1); c.288T>G, p.Asp96Glu (NM_001305625.2, NM_001305626.1); short protein forms D132E, D96E, D180E.
Identifiers: ClinVar variation 96722 (VCV000096722.5), dbSNP rs398124648, ClinGen allele CA186030.

ClinVar aggregate classification (germline): Pathogenic. Review status: criteria provided, single submitter (1 of 4 stars). 3 submissions from 3 submitters: Pathogenic (1). 2 of the submissions do not count toward it. Last evaluated 2018-08-20.

Conditions:
Long QT syndrome 15 (LQT15). Identifiers: Orphanet 101016, Orphanet 768, MedGen C4015695, MONDO:0014550, OMIM 616249.
Long QT syndrome 1 (LQT1). Identifiers: Orphanet 101016, Orphanet 768, MedGen C4551647, MONDO:0100316, OMIM 192500, MONDO:0008646.

Submissions (3):

Institute of Human Genetics Munich, TUM University Hospital
Classification: Pathogenic for Long QT syndrome 15. Last evaluated: 2018-08-20. Review status: criteria provided, single submitter. Criteria: Classification criteria August 2017. Collection method: clinical testing. Allele origin: de novo. Inheritance: Autosomal dominant inheritance. Affected: yes. Observed: 1 heterozygote.

OMIM
Classification: Pathogenic for LONG QT SYNDROME 15. Last evaluated: 2014-08-01. Review status: no assertion criteria provided. Collection method: literature only. Allele origin: germline. Not counted in ClinVar's aggregate classification.

George Lab Vanderbilt University
Classification: Likely pathogenic. Review status: no assertion criteria provided. Collection method: not provided. Allele origin: germline. Not counted in ClinVar's aggregate classification.
ClinVar note: Converted during submission from probable-pathogenic to Likely pathogenic.

Literature cited by the submitters: PubMed 24917665 (cited by OMIM).